The following is an entry in ClinVar:

ClinVar aggregate classification (germline): Uncertain significance. Review status: criteria provided, multiple submitters, no conflicts (2 of 4 stars). 2 submissions from 2 submitters: Uncertain significance (2). Last evaluated 2025-05-03.

Conditions:
Diamond-Blackfan anemia. Also called: Blackfan Diamond syndrome; Aregenerative anemia chronic congenital; Red cell aplasia, pure hereditary; Congenital hypoplastic anemia; Aase syndrome. Identifiers: Orphanet 124, MedGen C1260899, MeSH D029503, MONDO:0015253, HP:0004810.
Diamond-Blackfan anemia 6 (DBA6). Also called: RPL5-Related Diamond-Blackfan Anemia. Identifiers: Orphanet 124, MedGen C2931850, MONDO:0012937, OMIM 612561.

Allele frequency attached by ClinVar (database versions not stated): gnomAD 0.00001; gnomAD exomes 0.00001; TOPMed below 0.00001; ExAC 0.00001.
gnomAD v4.1: 27 of 1,612,564 alleles (0.0017%); highest among the groups gnomAD compares: Non-Finnish European, 0.0018%; no homozygotes.

Submissions (2):

Labcorp Genetics (formerly Invitae), Labcorp
Classification: Uncertain significance for Diamond-Blackfan anemia. Last evaluated: 2025-05-03. Review status: criteria provided, single submitter. Criteria: Invitae Variant Classification Sherloc (09022015). Collection method: clinical testing. Allele origin: germline.
Comment: This sequence change replaces alanine, which is neutral and non-polar, with threonine, which is neutral and polar, at codon 77 of the RPL5 protein (p.Ala77Thr). This variant is present in population databases (rs752867126, gnomAD 0.002%). This variant has not been reported in the literature in individuals affected with RPL5-related conditions. ClinVar contains an entry for this variant (Variation ID: 654206). Invitae Evidence Modeling of protein sequence and biophysical properties (such as structural, functional, and spatial information, amino acid conservation, physicochemical variation, residue mobility, and thermodynamic stability) indicates that this missense variant is not expected to disrupt RPL5 protein function with a negative predictive value of 80%. In summary, the available evidence is currently insufficient to determine the role of this variant in disease. Therefore, it has been classified as a Variant of Uncertain Significance.

Fulgent Genetics
Classification: Uncertain significance for Diamond-Blackfan anemia 6. Last evaluated: 2021-10-07. Review status: criteria provided, single submitter. Criteria: ACMG Guidelines, 2015. Collection method: clinical testing. Allele origin: unknown.

NM_000969.5(RPL5):c.229G>A (p.Ala77Thr)

Genes: DIPK1A (divergent protein kinase domain 1A; minus strand), RPL5 (ribosomal protein L5; plus strand). Cytogenetic location: 1p22.1.
Variant type: single nucleotide variant.
Coding change: c.229G>A on transcript NM_000969.5 (MANE Select); coding-DNA position 229, G replaced by A.
Protein change: p.Ala77Thr; replaces alanine 77 with threonine.
Molecular consequence: missense variant. On other transcripts: non-coding transcript variant (1), intron variant (1).
Genome position (GRCh38, 1-based): chr1:92,834,818, G>A. VCF-style: chr1-92834818-G-A. GRCh37 (hg19) VCF-style: chr1-93300375-G-A.
Other names: c.475-1784C>T (NM_001252273.2); short protein forms A77T.
Identifiers: ClinVar variation 654206 (VCV000654206.10), dbSNP rs752867126, ClinGen allele CA952412.